The following is an entry in ClinVar:

NM_001171613.2(PREPL):c.1058G>A (p.Arg353His)

Gene: PREPL (prolyl endopeptidase like; minus strand). Cytogenetic location: 2p21.
Variant type: single nucleotide variant.
Coding change: c.1058G>A on transcript NM_001171613.2 (MANE Select); coding-DNA position 1058, G replaced by A.
Protein change: p.Arg353His; replaces arginine 353 with histidine.
Molecular consequence: missense variant. On other transcripts: intron variant (1).
Genome position (GRCh38, 1-based): chr2:44,332,487, C>T on the plus strand (G>A on the coding strand, the complement: PREPL is on the minus strand). VCF-style: chr2-44332487-C-T. GRCh37 (hg19) VCF-style: chr2-44559626-C-T.
Other names: c.1325G>A, p.Arg442His (NM_006036.4, NM_001171603.1, NM_001171606.2 and 2 more transcripts); c.1139G>A, p.Arg380His (NM_001042385.2); c.1058G>A, p.Arg353His (NM_001171617.1, NM_001374277.1); c.1156-3375G>A (NM_001042386.2); short protein forms R353H, R380H, R442H.
Identifiers: ClinVar variation 663587 (VCV000663587.11), dbSNP rs766402014, ClinGen allele CA1641265.
Genomic context (GRCh38, chr2:44,332,487, plus strand): 5'-TGGGAGCTGAAAGTGAAGATTATAAGACCTACCTTGCTTTTGGCTTCTAGACGTAAAACG[C>T]GACTAGTCTTTGTGATTGGGTCTTCATGCCCAGTTTCCTCAAACAGTTTGCCTTCTGCAA-3'
Protein context (NP_001165084.1, residues 343-363): GHEDPITKTS[Arg353His]VLRLEAKSKD

ClinVar aggregate classification (germline): Uncertain significance. Review status: criteria provided, multiple submitters, no conflicts (2 of 4 stars). 3 submissions from 3 submitters: Uncertain significance (3). Last evaluated 2022-08-20.

Conditions:
Inborn genetic diseases. Identifiers: MedGen C0950123, MeSH D030342.
Myasthenic syndrome, congenital, 22 (CMS22). Also called: PREPL DEFICIENCY. Identifiers: MedGen C4479088, MONDO:0044299, OMIM 616224.

Allele frequency attached by ClinVar (database versions not stated): gnomAD 0.00001 and 0.00002; gnomAD exomes 0.00001 and 0.00002; ExAC 0.00002; TOPMed 0.00003.
gnomAD v4.1: 19 of 1,613,828 alleles (0.0012%); highest among the groups gnomAD compares: Middle Eastern, 0.049%; no homozygotes.

Submissions (3):

Labcorp Genetics (formerly Invitae), Labcorp
Classification: Uncertain significance for Myasthenic syndrome, congenital, 22. Last evaluated: 2022-08-20. Review status: criteria provided, single submitter. Criteria: Invitae Variant Classification Sherloc (09022015). Collection method: clinical testing. Allele origin: germline.
Comment: This sequence change replaces arginine, which is basic and polar, with histidine, which is basic and polar, at codon 442 of the PREPL protein (p.Arg442His). This variant is present in population databases (rs766402014, gnomAD 0.006%). This variant has not been reported in the literature in individuals affected with PREPL-related conditions. ClinVar contains an entry for this variant (Variation ID: 663587). Algorithms developed to predict the effect of missense changes on protein structure and function output the following: SIFT: "Tolerated"; PolyPhen-2: "Benign"; Align-GVGD: "Class C0". The histidine amino acid residue is found in multiple mammalian species, which suggests that this missense change does not adversely affect protein function. In summary, the available evidence is currently insufficient to determine the role of this variant in disease. Therefore, it has been classified as a Variant of Uncertain Significance.

Ambry Genetics
Classification: Uncertain significance for Inborn genetic diseases. Last evaluated: 2021-12-04. Review status: criteria provided, single submitter. Criteria: Ambry Variant Classification Scheme 2023. Collection method: clinical testing. Allele origin: germline.

Revvity Omics, Revvity
Classification: Uncertain significance for Myasthenic syndrome, congenital, 22. Last evaluated: 2021-03-03. Review status: criteria provided, single submitter. Criteria: ACMG Guidelines, 2015. Collection method: clinical testing. Allele origin: germline.